The following is an entry in ClinVar:

NM_006269.2(RP1):c.4919A>T (p.Asp1640Val)

Genes: RP1 (RP1 axonemal microtubule associated; plus strand), LOC126860392 (CDK7 strongly-dependent group 2 enhancer GRCh37_chr8:55541319-55542518; plus strand). Cytogenetic location: 8q12.1.
Variant type: single nucleotide variant.
Coding change: c.4919A>T on transcript NM_006269.2 (MANE Select); coding-DNA position 4919, A replaced by T.
Protein change: p.Asp1640Val; replaces aspartic acid 1640 with valine.
Molecular consequence: missense variant. On other transcripts: intron variant (1).
Genome position (GRCh38, 1-based): chr8:54,628,801, A>T. VCF-style: chr8-54628801-A-T. GRCh37 (hg19) VCF-style: chr8-55541361-A-T.
Other names: c.787+6513A>T (NM_001375654.1); short protein forms D1640V.
Identifiers: ClinVar variation 1481656 (VCV001481656.6), dbSNP rs2129317895, ClinGen allele CA370984322.

ClinVar aggregate classification (germline): Uncertain significance (1 of 4 stars; one submission).

Submission:

Labcorp Genetics (formerly Invitae), Labcorp
Classification: Uncertain significance. Last evaluated: 2022-10-24. Review status: criteria provided, single submitter. Criteria: Invitae Variant Classification Sherloc (09022015). Collection method: clinical testing. Allele origin: germline.
Comment: Algorithms developed to predict the effect of missense changes on protein structure and function are either unavailable or do not agree on the potential impact of this missense change (SIFT: "Deleterious"; PolyPhen-2: "Benign"; Align-GVGD: "Class C0"). ClinVar contains an entry for this variant (Variation ID: 1481656). This variant has not been reported in the literature in individuals affected with RP1-related conditions. This variant is not present in population databases (gnomAD no frequency). This sequence change replaces aspartic acid, which is acidic and polar, with valine, which is neutral and non-polar, at codon 1640 of the RP1 protein (p.Asp1640Val). In summary, the available evidence is currently insufficient to determine the role of this variant in disease. Therefore, it has been classified as a Variant of Uncertain Significance.